The following is an entry in ClinVar:

ClinVar aggregate classification (germline): Uncertain significance (1 of 4 stars; one submission).

Submission:

Labcorp Genetics (formerly Invitae), Labcorp
Classification: Uncertain significance. Last evaluated: 2025-10-16. Review status: criteria provided, single submitter. Criteria: Invitae Variant Classification Sherloc (09022015). Collection method: clinical testing. Allele origin: germline.
Comment: This sequence change replaces cysteine, which is neutral and slightly polar, with tyrosine, which is neutral and polar, at codon 68 of the NSD1 protein (p.Cys68Tyr). This variant is not present in population databases (gnomAD no frequency). This variant has not been reported in the literature in individuals affected with NSD1-related conditions. Invitae Evidence Modeling of protein sequence and biophysical properties (such as structural, functional, and spatial information, amino acid conservation, physicochemical variation, residue mobility, and thermodynamic stability) indicates that this missense variant is not expected to disrupt NSD1 protein function with a negative predictive value of 95%. In summary, the available evidence is currently insufficient to determine the role of this variant in disease. Therefore, it has been classified as a Variant of Uncertain Significance.

NM_022455.5(NSD1):c.203G>A (p.Cys68Tyr)

Gene: NSD1 (nuclear receptor binding SET domain protein 1; plus strand). Cytogenetic location: 5q35.3.
Variant type: single nucleotide variant.
Coding change: c.203G>A on transcript NM_022455.5 (MANE Select); coding-DNA position 203, G replaced by A.
Protein change: p.Cys68Tyr; replaces cysteine 68 with tyrosine.
Molecular consequence: missense variant. On other transcripts: intron variant (7).
Genome position (GRCh38, 1-based): chr5:177,135,306, G>A. VCF-style: chr5-177135306-G-A. GRCh37 (hg19) VCF-style: chr5-176562307-G-A.
Other names: c.203G>A, p.Cys68Tyr (NM_001409301.1, NM_001409302.1, NM_001409303.1 and 1 more transcripts); c.-37+106G>A (NM_001409305.1, NM_001409306.1, NM_001409308.1 and 4 more transcripts); short protein forms C68Y.
Identifiers: ClinVar variation 4773807 (VCV004773807.1).
Genomic context (GRCh38, chr5:177,135,306, plus strand): 5'-TGCAGTTATCGACTGTCAGTGGAACATCCCAAAATGCTTATGGACAAGATTCTCCATCTT[G>A]TTACATTCCACTGCGGAGACTACAGGATTTGGCCTCCATGATCAATGTAGAGTATTTAAA-3'
Protein context (NP_071900.2, residues 58-78): QNAYGQDSPS[Cys68Tyr]YIPLRRLQDL